The following is an entry in ClinVar:

NM_004183.4(BEST1):c.20G>A (p.Ser7Asn)

Gene: BEST1 (bestrophin 1; plus strand). Cytogenetic location: 11q12.3.
Variant type: single nucleotide variant.
Coding change: c.20G>A on transcript NM_004183.4 (MANE Select); coding-DNA position 20, G replaced by A.
Protein change: p.Ser7Asn; replaces serine 7 with asparagine.
Molecular consequence: missense variant. On other transcripts: non-coding transcript variant (1), intron variant (6).
Genome position (GRCh38, 1-based): chr11:61,951,826, G>A. VCF-style: chr11-61951826-G-A. GRCh37 (hg19) VCF-style: chr11-61719298-G-A.
Other names: c.20G>A, p.Ser7Asn (NM_001363592.2, NM_001440571.1, NM_001440572.1 and 1 more transcripts); c.-29+1399G>A (NM_001139443.3, NM_001300787.2, NM_001440574.1 and 3 more transcripts); short protein forms S7N.
Identifiers: ClinVar variation 939742 (VCV000939742.12), dbSNP rs199508634, ClinGen allele CA6040659.
Genomic context (GRCh38, chr11:61,951,826, plus strand): 5'-ACCAGGACCCAAGCCCACCTGCTGCAGCCCACTGCCTGGCCATGACCATCACTTACACAA[G>A]CCAAGTGGCTAATGCCCGCTTAGGCTCCTTCTCCCGCCTGCTGCTGTGCTGGCGGGGCAG-3'
Protein context (NP_004174.1, residues 1-17): MTITYT[Ser7Asn]QVANARLGSF

ClinVar aggregate classification (germline): Uncertain significance. Review status: criteria provided, multiple submitters, no conflicts (2 of 4 stars). 3 submissions from 3 submitters: Uncertain significance (3). Last evaluated 2025-07-30.

Conditions:
BEST1-related dominant retinopathy. Identifiers: MedGen CN375913, MONDO:0700238.

Allele frequency attached by ClinVar (database versions not stated): gnomAD 0.00001 and 0.00003; gnomAD exomes 0.00001 and 0.00003; ExAC 0.00002; TOPMed 0.00002; 1000 Genomes Project 30x 0.00016; 1000 Genomes Project 0.00020.
gnomAD v4.1: 14 of 1,613,026 alleles (0.00087%); highest among the groups gnomAD compares: East Asian, 0.031%; no homozygotes.

Submissions (3):

Labcorp Genetics (formerly Invitae), Labcorp
Classification: Uncertain significance. Last evaluated: 2025-07-30. Review status: criteria provided, single submitter. Criteria: Invitae Variant Classification Sherloc (09022015). Collection method: clinical testing. Allele origin: germline.
Comment: This sequence change replaces serine, which is neutral and polar, with asparagine, which is neutral and polar, at codon 7 of the BEST1 protein (p.Ser7Asn). This variant is present in population databases (rs199508634, gnomAD 0.04%). This missense change has been observed in individual(s) with clinical features of BEST1-related conditions (PMID: 26201355, 28687848, 37337769; internal data). ClinVar contains an entry for this variant (Variation ID: 939742). Invitae Evidence Modeling of protein sequence and biophysical properties (such as structural, functional, and spatial information, amino acid conservation, physicochemical variation, residue mobility, and thermodynamic stability) has been performed for this missense variant. However, the output from this modeling did not meet the statistical confidence thresholds required to predict the impact of this variant on BEST1 protein function. In summary, the available evidence is currently insufficient to determine the role of this variant in disease. Therefore, it has been classified as a Variant of Uncertain Significance.

Department of Pathology and Laboratory Medicine, Sinai Health System
Classification: Uncertain significance for BEST1-related dominant retinopathy. Last evaluated: 2022-11-13. Review status: criteria provided, single submitter. Criteria: ACMG Guidelines, 2015. Collection method: research. Allele origin: germline.

Blueprint Genetics
Classification: Uncertain significance. Last evaluated: 2019-01-18. Review status: criteria provided, single submitter. Criteria: ACMG Guidelines, 2015. Collection method: clinical testing. Allele origin: germline.

Literature cited by the submitters: PubMed 26201355 (cited by Labcorp Genetics (formerly Invitae), Labcorp); PubMed 28687848 (cited by Labcorp Genetics (formerly Invitae), Labcorp); PubMed 37337769 (cited by Labcorp Genetics (formerly Invitae), Labcorp).